The following is an entry in ClinVar:

ClinVar aggregate classification (germline): Likely benign. Review status: criteria provided, single submitter (1 of 4 stars). 2 submissions from 2 submitters: Likely benign (1). 1 of the submissions does not count toward it. Last evaluated 2026-01-02.

Conditions:
LIPT2-related disorder. Also called: LIPT2-related condition.

Allele frequency attached by ClinVar (database versions not stated): ExAC 0.00469; TOPMed 0.00001; gnomAD 0.00009; 1000 Genomes Project 30x 0.00031; 1000 Genomes Project 0.00040.

Submissions (2):

Labcorp Genetics (formerly Invitae), Labcorp
Classification: Likely benign. Last evaluated: 2026-01-02. Review status: criteria provided, single submitter. Criteria: Invitae Variant Classification Sherloc (09022015). Collection method: clinical testing. Allele origin: germline.

PreventionGenetics, part of Exact Sciences
Classification: Likely benign for LIPT2-related condition. Last evaluated: 2022-04-06. Review status: no assertion criteria provided. Collection method: clinical testing. Allele origin: germline. Not counted in ClinVar's aggregate classification.
Comment: This variant is classified as likely benign based on ACMG/AMP sequence variant interpretation guidelines (Richards et al. 2015 PMID: 25741868, with internal and published modifications).

NM_001144869.3(LIPT2):c.115C>T (p.Pro39Ser)

Genes: LIPT2 (lipoyl(octanoyl) transferase 2; minus strand), LIPT2-AS1 (LIPT2 antisense RNA 1; plus strand), LOC130006411 (ATAC-STARR-seq lymphoblastoid silent region 3753; plus strand). Cytogenetic location: 11q13.4.
Variant type: single nucleotide variant.
Coding change: c.115C>T on transcript NM_001144869.3 (MANE Select); coding-DNA position 115, C replaced by T.
Protein change: p.Pro39Ser; replaces proline 39 with serine.
Molecular consequence: missense variant. On other transcripts: non-coding transcript variant (1).
Genome position (GRCh38, 1-based): chr11:74,493,589, G>A on the plus strand (C>T on the coding strand, the complement: LIPT2 is on the minus strand). VCF-style: chr11-74493589-G-A. GRCh37 (hg19) VCF-style: chr11-74204634-G-A.
Other names: c.115C>T, p.Pro39Ser (NM_001329941.2, NM_001329942.2); short protein forms P39S.
Identifiers: ClinVar variation 3058612 (VCV003058612.4), dbSNP rs570309441, ClinGen allele CA6184933.